The following is an entry in ClinVar:

ClinVar aggregate classification (germline): Uncertain significance. Review status: criteria provided, multiple submitters, no conflicts (2 of 4 stars). 3 submissions from 3 submitters: Uncertain significance (3). Last evaluated 2025-08-18.

Conditions:
Inborn genetic diseases. Identifiers: MedGen C0950123, MeSH D030342.
Ellis-van Creveld syndrome (EVC). Also called: EVC-Related Ellis-van Creveld Syndrome; EVC2-Related Ellis-van Creveld Syndrome; MESOECTODERMAL DYSPLASIA; Chondroectodermal dysplasia. Identifiers: Orphanet 289, MedGen C0013903, MONDO:0009162, OMIM 225500.
Curry-Hall syndrome (WAD). Also called: WEYERS ACRODENTAL DYSOSTOSIS. Identifiers: Orphanet 952, MedGen C0457013, MONDO:0008673, OMIM 193530.

Allele frequency attached by ClinVar (database versions not stated): TOPMed 0.00001; gnomAD 0.00002; gnomAD exomes 0.00002 and 0.00003; ExAC 0.00003.
gnomAD v4.1: 39 of 1,586,268 alleles (0.0025%); highest among the groups gnomAD compares: Non-Finnish European, 0.0031%; no homozygotes.

Submissions (3):

Labcorp Genetics (formerly Invitae), Labcorp
Classification: Uncertain significance for Curry-Hall syndrome; Ellis-van Creveld syndrome. Last evaluated: 2025-08-18. Review status: criteria provided, single submitter. Criteria: Invitae Variant Classification Sherloc (09022015). Collection method: clinical testing. Allele origin: germline.
Comment: This sequence change replaces histidine, which is basic and polar, with tyrosine, which is neutral and polar, at codon 1169 of the EVC2 protein (p.His1169Tyr). The frequency data for this variant in the population databases is considered unreliable, as metrics indicate poor data quality at this position in the gnomAD database. This variant has not been reported in the literature in individuals affected with EVC2-related conditions. ClinVar contains an entry for this variant (Variation ID: 348982). An algorithm developed to predict the effect of missense changes on protein structure and function (PolyPhen-2) suggests that this variant is likely to be disruptive. In summary, the available evidence is currently insufficient to determine the role of this variant in disease. Therefore, it has been classified as a Variant of Uncertain Significance.

Ambry Genetics
Classification: Uncertain significance for Inborn genetic diseases. Last evaluated: 2024-05-12. Review status: criteria provided, single submitter. Criteria: Ambry Variant Classification Scheme 2023. Collection method: clinical testing. Allele origin: germline.

Illumina Laboratory Services, Illumina
Classification: Uncertain significance for Ellis-van Creveld syndrome. Last evaluated: 2018-01-13. Review status: criteria provided, single submitter. Criteria: ICSL Variant Classification Criteria 13 December 2019. Collection method: clinical testing. Allele origin: germline.

NM_147127.5(EVC2):c.3505C>T (p.His1169Tyr)

Gene: EVC2 (EvC ciliary complex subunit 2; minus strand). Cytogenetic location: 4p16.2.
Variant type: single nucleotide variant.
Coding change: c.3505C>T on transcript NM_147127.5 (MANE Select); coding-DNA position 3505, C replaced by T.
Protein change: p.His1169Tyr; replaces histidine 1169 with tyrosine.
Molecular consequence: missense variant.
Genome position (GRCh38, 1-based): chr4:5,568,496, G>A on the plus strand (C>T on the coding strand, the complement: EVC2 is on the minus strand). VCF-style: chr4-5568496-G-A. GRCh37 (hg19) VCF-style: chr4-5570223-G-A.
Other names: c.3265C>T, p.His1089Tyr (NM_001166136.2); short protein forms H1169Y, H1089Y.
Identifiers: ClinVar variation 348982 (VCV000348982.12), dbSNP rs747562782, ClinGen allele CA2834298.